The following is an entry in ClinVar:

ClinVar aggregate classification (germline): Uncertain significance (1 of 4 stars; one submission).

Allele frequency attached by ClinVar (database versions not stated): ExAC 0.00004; gnomAD 0.00004 and 0.00005; 1000 Genomes Project 0.00020; 1000 Genomes Project 30x 0.00031.

Submission:

Labcorp Genetics (formerly Invitae), Labcorp
Classification: Uncertain significance. Last evaluated: 2022-06-05. Review status: criteria provided, single submitter. Criteria: Invitae Variant Classification Sherloc (09022015). Collection method: clinical testing. Allele origin: germline.
Comment: In summary, the available evidence is currently insufficient to determine the role of this variant in disease. Therefore, it has been classified as a Variant of Uncertain Significance. Algorithms developed to predict the effect of missense changes on protein structure and function are either unavailable or do not agree on the potential impact of this missense change (SIFT: "Deleterious"; PolyPhen-2: "Benign"; Align-GVGD: "Class C35"). ClinVar contains an entry for this variant (Variation ID: 1062841). This variant has not been reported in the literature in individuals affected with CEP19-related conditions. This variant is present in population databases (rs554079648, gnomAD 0.005%). This sequence change replaces arginine, which is basic and polar, with glutamine, which is neutral and polar, at codon 61 of the CEP19 protein (p.Arg61Gln).

NM_032898.5(CEP19):c.170G>A (p.Arg57Gln)

Gene: CEP19 (centrosomal protein 19; minus strand). Cytogenetic location: 3q29.
Variant type: single nucleotide variant.
Coding change: c.170G>A on transcript NM_032898.5 (MANE Select); coding-DNA position 170, G replaced by A.
Protein change: p.Arg57Gln; replaces arginine 57 with glutamine.
Molecular consequence: missense variant.
Genome position (GRCh38, 1-based): chr3:196,707,873, C>T on the plus strand (G>A on the coding strand, the complement: CEP19 is on the minus strand). VCF-style: chr3-196707873-C-T. GRCh37 (hg19) VCF-style: chr3-196434744-C-T.
Other names: c.65G>A, p.Arg22Gln (NM_001379468.1); c.170G>A, p.Arg57Gln (NM_001379469.1, NM_001379470.1); short protein forms R22Q, R57Q.
Identifiers: ClinVar variation 1062841 (VCV001062841.3), dbSNP rs554079648, ClinGen allele CA2782129.